The following is an entry in ClinVar:

NM_022124.6(CDH23):c.9320-1G>A

Gene: CDH23 (cadherin related 23; plus strand). Cytogenetic location: 10q22.1.
Variant type: single nucleotide variant.
Coding change: c.9320-1G>A on transcript NM_022124.6 (MANE Select); the canonical splice acceptor site of the intron before coding-DNA position 9320, G replaced by A.
Molecular consequence: splice acceptor variant. On other transcripts: 5 prime UTR variant (2).
Genome position (GRCh38, 1-based): chr10:71,811,954, G>A. VCF-style: chr10-71811954-G-A. GRCh37 (hg19) VCF-style: chr10-73571711-G-A.
Other names: c.-338G>A (NM_001171935.1, NM_001171936.1); c.2600-1G>A (NM_001171933.1, NM_001171934.1).
Identifiers: ClinVar variation 665868 (VCV000665868.7), dbSNP rs1589438942, ClinGen allele CA377135791.

ClinVar aggregate classification (germline): Likely pathogenic (1 of 4 stars; one submission).

Submission:

Labcorp Genetics (formerly Invitae), Labcorp
Classification: Likely pathogenic. Last evaluated: 2018-12-20. Review status: criteria provided, single submitter. Criteria: Invitae Variant Classification Sherloc (09022015). Collection method: clinical testing. Allele origin: germline.
Comment: In summary, the currently available evidence indicates that the variant is pathogenic, but additional data are needed to prove that conclusively. Therefore, this variant has been classified as Likely Pathogenic. Donor and acceptor splice site variants typically lead to a loss of protein function (PMID: 16199547), and loss-of-function variants in CDH23 are known to be pathogenic (PMID: 11138009, 21940737). This variant has not been reported in the literature in individuals with CDH23-related conditions. This variant is not present in population databases (ExAC no frequency). This sequence change affects an acceptor splice site in intron 65 of the CDH23 gene. It is expected to disrupt RNA splicing and likely results in an absent or disrupted protein product.

Literature cited by the submitters: PubMed 16199547; PubMed 11138009; PubMed 21940737.